The following is an entry in ClinVar:

NM_000179.3(MSH6):c.3946_3953del (p.Gly1316fs)

Gene: MSH6 (mutS homolog 6; plus strand). Cytogenetic location: 2p16.3.
Variant type: Deletion.
Coding change: c.3946_3953del on transcript NM_000179.3 (MANE Select); coding-DNA positions 3946 to 3953, 8 bases deleted (GGACATAG; older notation c.3946_3953delGGACATAG).
Protein change: p.Gly1316fs; shifts the reading frame from glycine 1316.
Molecular consequence: frameshift variant. On other transcripts: non-coding transcript variant (5), intron variant (1).
Genome position (GRCh38, 1-based): chr2:47,806,596-47,806,603, GGACATAG deleted; deleting any 8 consecutive bases within chr2:47,806,594-47,806,603 gives the same sequence; the c. name uses the placement nearest the transcript's 3' end. VCF-style (leftmost placement, unchanged base first): chr2-47806593-AAGGGACAT-A. GRCh37 (hg19) VCF-style: chr2-48033732-AAGGGACAT-A.
Other names: c.3556_3563del, p.Gly1186fs (NM_001281492.2); c.3040_3047del, p.Gly1014fs (NM_001281493.2, NM_001281494.2, NM_001406811.1 and 6 more transcripts); c.4042_4049del, p.Gly1348fs (NM_001406795.1); c.3946_3953del, p.Gly1316fs (NM_001406796.1, NM_001406808.1, NM_001406809.1); c.3649_3656del, p.Gly1217fs (NM_001406797.1, NM_001406801.1, NM_001406805.1 and 10 more transcripts); c.3772_3779del, p.Gly1258fs (NM_001406798.1); c.3421_3428del, p.Gly1141fs (NM_001406799.1, NM_001406806.1, NM_001406807.1); c.3933_3940del, p.Asp1312fs (NM_001406800.1); and 9 more; short protein forms D1312fs, G1014fs, G1028fs, G1141fs, G1186fs, G1217fs, G1258fs, G1260fs.
Identifiers: ClinVar variation 2673668 (VCV002673668.2), dbSNP rs2530873416, ClinGen allele CA2695200521.
Genomic context (GRCh38, chr2:47,806,593, plus strand): 5'-CCTAAAAGCTATGGCTTTAATGCAGCAAGGCTTGCTAATCTCCCAGAGGAAGTTATTCAA[AAGGGACAT>A]AGAAAAGCAAGAGAATTTGAGAAGATGAATCAGTCACTACGATTATTTCGGTAACTAACT-3'

ClinVar aggregate classification (germline): Pathogenic/Likely pathogenic. Review status: criteria provided, multiple submitters, no conflicts (2 of 4 stars). 2 submissions from 2 submitters: Pathogenic (1); Likely pathogenic (1). Last evaluated 2024-11-15.

Conditions:
MSH6-related disorder. Also called: MSH6-related condition; MSH6-Related disorders.
Lynch syndrome 5 (LYNCH5). Also called: Hereditary non-polyposis colorectal cancer, type 5; Colorectal cancer, hereditary nonpolyposis, type 5. Identifiers: Orphanet 144, MedGen C1833477, MONDO:0013710, OMIM 614350. Disease mechanism: loss of function.

Submissions (2):

Blueprint Genetics
Classification: Likely pathogenic for MSH6-related disorders. Last evaluated: 2024-11-15. Review status: criteria provided, single submitter. Criteria: ACMG Guidelines, 2015. Collection method: clinical testing. Allele origin: germline. Affected: yes. Observed: 1 variant allele.

Myriad Genetics, Inc.
Classification: Pathogenic for Lynch syndrome 5. Last evaluated: 2023-08-28. Review status: criteria provided, single submitter. Criteria: Myriad Autosomal Dominant, Autosomal Recessive and X-Linked Classification Criteria (2023). Collection method: clinical testing. Allele origin: unknown.
Comment: This variant is considered pathogenic. This variant creates a frameshift predicted to result in premature protein truncation.